The following is an entry in ClinVar:

ClinVar aggregate classification (germline): Likely benign. Review status: criteria provided, multiple submitters, no conflicts (2 of 4 stars). 3 submissions from 3 submitters: Likely benign (3). Last evaluated 2025-10-19.

Conditions:
Inborn genetic diseases. Identifiers: MedGen C0950123, MeSH D030342.
Carnitine palmitoyl transferase 1A deficiency. Also called: Carnitine palmitoyltransferase 1A deficiency; CPT deficiency, hepatic, type IA; CPT I DEFICIENCY; CPT DEFICIENCY, HEPATIC, TYPE I; Carnitine palmitoyltransferase type I deficiency. Identifiers: Orphanet 156, MedGen C1829703, MONDO:0009705, OMIM 255120.

Allele frequency attached by ClinVar (database versions not stated): gnomAD 0.00004 and 0.00005; TOPMed 0.00004; 1000 Genomes Project 30x 0.00016; 1000 Genomes Project 0.00020.

Submissions (3):

Labcorp Genetics (formerly Invitae), Labcorp
Classification: Likely benign for Carnitine palmitoyl transferase 1A deficiency. Last evaluated: 2025-10-19. Review status: criteria provided, single submitter. Criteria: Invitae Variant Classification Sherloc (09022015). Collection method: clinical testing. Allele origin: germline.

Ambry Genetics
Classification: Likely benign for Inborn genetic diseases. Last evaluated: 2024-03-05. Review status: criteria provided, single submitter. Criteria: Ambry Variant Classification Scheme 2023. Collection method: clinical testing. Allele origin: germline.

GeneDx
Classification: Likely benign. Last evaluated: 2016-08-03. Review status: criteria provided, single submitter. Criteria: GeneDx Variant Classification (06012015). Collection method: clinical testing. Allele origin: germline. Affected: yes.
Comment: This variant is considered likely benign or benign based on one or more of the following criteria: it is a conservative change, it occurs at a poorly conserved position in the protein, it is predicted to be benign by multiple in silico algorithms, and/or has population frequency not consistent with disease.

NM_001876.4(CPT1A):c.1353-4G>A

Gene: CPT1A (carnitine palmitoyltransferase 1A; minus strand). Cytogenetic location: 11q13.3.
Variant type: single nucleotide variant.
Coding change: c.1353-4G>A on transcript NM_001876.4 (MANE Select); 4 bases into the intron before coding-DNA position 1353, G replaced by A.
Molecular consequence: intron variant.
Genome position (GRCh38, 1-based): chr11:68,780,749, C>T on the plus strand (G>A on the coding strand, the complement: CPT1A is on the minus strand). VCF-style: chr11-68780749-C-T. GRCh37 (hg19) VCF-style: chr11-68548217-C-T.
Other names: c.1353-4G>A (NM_001031847.3).
Identifiers: ClinVar variation 388147 (VCV000388147.10), dbSNP rs577271875, ClinGen allele CA6152324.
Genomic context (GRCh38, chr11:68,780,749, plus strand): 5'-TTGAGGCCCATCTTCCCGTTTTTGAAGACAACAAACGTGAACGACTTGTCAAACCACCTA[C>T]GTGAAACACACATGTGTGGAACTTAAGTGTTTAAAGAGGCAACAATGAGGAGACATTGCA-3'